The following is an entry in ClinVar:

ClinVar aggregate classification (germline): Uncertain significance (1 of 4 stars; one submission).

Conditions:
Episodic kinesigenic dyskinesia (EKD). Also called: Paroxysmal kinesigenic dyskinesia. Identifiers: Orphanet 98809, MedGen C1868682, MONDO:0044202.

Allele frequency attached by ClinVar (database versions not stated): gnomAD exomes below 0.00001.
gnomAD v4.1: 1 of 1,613,956 alleles (0.000062%); highest among the groups gnomAD compares: Non-Finnish European, 0.000085%; no homozygotes.

Submission:

Labcorp Genetics (formerly Invitae), Labcorp
Classification: Uncertain significance for Episodic kinesigenic dyskinesia. Last evaluated: 2023-01-15. Review status: criteria provided, single submitter. Criteria: Invitae Variant Classification Sherloc (09022015). Collection method: clinical testing. Allele origin: germline.
Comment: In summary, the available evidence is currently insufficient to determine the role of this variant in disease. Therefore, it has been classified as a Variant of Uncertain Significance. Advanced modeling of protein sequence and biophysical properties (such as structural, functional, and spatial information, amino acid conservation, physicochemical variation, residue mobility, and thermodynamic stability) performed at Invitae indicates that this missense variant is not expected to disrupt PRRT2 protein function. This variant has not been reported in the literature in individuals affected with PRRT2-related conditions. This variant is not present in population databases (gnomAD no frequency). This sequence change replaces threonine, which is neutral and polar, with arginine, which is basic and polar, at codon 72 of the PRRT2 protein (p.Thr72Arg).

NM_145239.3(PRRT2):c.215C>G (p.Thr72Arg)

Genes: MVP-DT (MVP divergent transcript; minus strand), PRRT2 (proline rich transmembrane protein 2; plus strand). Cytogenetic location: 16p11.2.
Variant type: single nucleotide variant.
Coding change: c.215C>G on transcript NM_145239.3 (MANE Select); coding-DNA position 215, C replaced by G.
Protein change: p.Thr72Arg; replaces threonine 72 with arginine.
Molecular consequence: missense variant.
Genome position (GRCh38, 1-based): chr16:29,813,269, C>G. VCF-style: chr16-29813269-C-G. GRCh37 (hg19) VCF-style: chr16-29824590-C-G.
Other names: c.215C>G, p.Thr72Arg (NM_001256442.2, NM_001256443.2); short protein forms T72R.
Identifiers: ClinVar variation 2713072 (VCV002713072.3), dbSNP rs1900069841, ClinGen allele CA395477722.